The following is an entry in ClinVar:

NM_001039141.3(TRIOBP):c.5929C>T (p.Arg1977Trp)

Gene: TRIOBP (TRIO and F-actin binding protein; plus strand). Cytogenetic location: 22q13.1.
Variant type: single nucleotide variant.
Coding change: c.5929C>T on transcript NM_001039141.3 (MANE Select); coding-DNA position 5929, C replaced by T.
Protein change: p.Arg1977Trp; replaces arginine 1977 with tryptophan.
Molecular consequence: missense variant.
Genome position (GRCh38, 1-based): chr22:37,757,854, C>T. VCF-style: chr22-37757854-C-T. GRCh37 (hg19) VCF-style: chr22-38153861-C-T.
Other names: c.5929C>T (NM_001039141.2); c.790C>T, p.Arg264Trp (NM_007032.5, NM_138632.2); short protein forms R1977W, R264W.
Identifiers: ClinVar variation 930168 (VCV000930168.5), dbSNP rs367584370, ClinGen allele CA10224849.

ClinVar aggregate classification (germline): Uncertain significance. Review status: criteria provided, multiple submitters, no conflicts (2 of 4 stars). 2 submissions from 2 submitters: Uncertain significance (2). Last evaluated 2026-06-30.

Conditions:
TRIOBP-related disorder. Also called: TRIOBP-related condition.

Allele frequency attached by ClinVar (database versions not stated): gnomAD 0.00002; gnomAD exomes 0.00003 and 0.00007; TOPMed 0.00003; ExAC 0.00007; ESP Exome Variant Server 0.00008.
gnomAD v4.1: 96 of 1,551,768 alleles (0.0062%); highest among the groups gnomAD compares: Non-Finnish European, 0.0075%; no homozygotes.

Submissions (2):

PreventionGenetics, part of Exact Sciences
Classification: Uncertain significance for TRIOBP-related condition. Last evaluated: 2026-06-30. Review status: criteria provided, single submitter. Criteria: ACMG Guidelines, 2015. Collection method: clinical testing. Allele origin: germline.
Comment: The TRIOBP c.5929C>T variant is predicted to result in the amino acid substitution p.Arg1977Trp. To our knowledge, this variant has not been reported in the literature. This variant is reported in 0.013% of alleles in individuals of African descent in gnomAD. At this time, the clinical significance of this variant is uncertain due to the absence of conclusive functional and genetic evidence.

Laboratory for Molecular Medicine, Mass General Brigham Personalized Medicine
Classification: Uncertain significance. Last evaluated: 2020-03-04. Review status: criteria provided, single submitter. Criteria: LMM Criteria. Collection method: clinical testing. Allele origin: germline. Observed: 1 variant allele.
Comment: The p.Arg1977Trp variant in TRIOBP has not been previously reported in individuals with hearing loss but has been identified in 0.01% (1/7680) of African chromosomes by gnomAD. Computational prediction tools and conservation analysis suggest that this variant may impact the protein, though this information is not predictive enough to determine pathogenicity. In summary, the clinical significance of this variant is uncertain. ACMG/AMP Criteria applied: PM2_Supporting, PP3.